The following is an entry in ClinVar:

NM_001105206.3(LAMA4):c.5080G>A (p.Glu1694Lys)

Gene: LAMA4 (laminin subunit alpha 4; minus strand). Cytogenetic location: 6q21.
Variant type: single nucleotide variant.
Coding change: c.5080G>A on transcript NM_001105206.3 (MANE Select); coding-DNA position 5080, G replaced by A.
Protein change: p.Glu1694Lys; replaces glutamic acid 1694 with lysine.
Molecular consequence: missense variant.
Genome position (GRCh38, 1-based): chr6:112,115,895, C>T on the plus strand (G>A on the coding strand, the complement: LAMA4 is on the minus strand). VCF-style: chr6-112115895-C-T. GRCh37 (hg19) VCF-style: chr6-112437098-C-T.
Other names: c.5059G>A, p.Glu1687Lys (NM_001105207.3, NM_002290.5); short protein forms E1694K, E1687K.
Identifiers: ClinVar variation 1745076 (VCV001745076.3), dbSNP rs1459569651, ClinGen allele CA365365180.
Genomic context (GRCh38, chr6:112,115,895, plus strand): 5'-AAATTGTTAAACATTTTTCAGACACTACCTGTCCATTTTTCATGTGAACATTTAGGTACT[C>T]CCCATTGACACTGTGGCCGTGGACCAGGGTTCCGGAACTGCTTCTGGGACGGACTTCAAA-3'
Protein context (NP_001098676.2, residues 1684-1704): TLVHGHSVNG[Glu1694Lys]YLNVHMKNGQ

ClinVar aggregate classification (germline): Uncertain significance (1 of 4 stars; one submission).

Conditions:
Cardiovascular phenotype. Identifiers: MedGen CN230736.

Allele frequency attached by ClinVar (database versions not stated): gnomAD exomes below 0.00001; gnomAD 0.00002; TOPMed 0.00002.
gnomAD v4.1: 4 of 1,613,376 alleles (0.00025%); highest among the groups gnomAD compares: African/African-American, 0.0053%; no homozygotes.

Submission:

Ambry Genetics
Classification: Uncertain significance for Cardiovascular phenotype. Last evaluated: 2025-01-31. Review status: criteria provided, single submitter. Criteria: Ambry Variant Classification Scheme 2023. Collection method: clinical testing. Allele origin: germline.
Comment: The p.E1687K variant (also known as c.5059G>A), located in coding exon 35 of the LAMA4 gene, results from a G to A substitution at nucleotide position 5059. The glutamic acid at codon 1687 is replaced by lysine, an amino acid with similar properties. This amino acid position is well conserved in available vertebrate species. In addition, this alteration is predicted to be deleterious by in silico analysis. Since supporting evidence is limited at this time, the clinical significance of this alteration remains unclear.